The following is an entry in ClinVar:

ClinVar aggregate classification (germline): Uncertain significance (1 of 4 stars; one submission).

Conditions:
Hereditary cancer-predisposing syndrome. Also called: Hereditary neoplastic syndrome; Neoplastic Syndromes, Hereditary; Tumor predisposition; Hereditary Cancer Syndrome. Identifiers: Orphanet 140162, MedGen C0027672, MeSH D009386, MONDO:0015356.

Submission:

Ambry Genetics
Classification: Uncertain significance for Hereditary cancer-predisposing syndrome. Last evaluated: 2025-07-11. Review status: criteria provided, single submitter. Criteria: Ambry Variant Classification Scheme 2023. Collection method: clinical testing. Allele origin: germline.
Comment: The c.803_803+159del160 variant results from a deletion of 160 nucleotides between positions c.803 and c.803+159 and involves the canonical splice donor site after coding exon 7 of the PMS2 gene. The canonical splice donor site is well conserved in available vertebrate species. In silico splice site analysis predicts that this alteration will weaken the native splice donor site. RNA studies have demonstrated that this alteration results in a transcript predicted to lead to a protein with an in-frame deletion of 14 amino acids; however, the exact functional impact of the deleted amino acids is unknown at this time (Ambry internal data). Based on the available evidence, the clinical significance of this variant remains unclear.

NM_000535.7(PMS2):c.803_803+159del

Gene: PMS2 (PMS1 homolog 2, mismatch repair system component; minus strand). Cytogenetic location: 7p22.1.
Variant type: Deletion.
Coding change: c.803_803+159del on transcript NM_000535.7 (MANE Select); coding-DNA position 803 through 159 bases into the intron after coding-DNA position 803, 160 bases deleted.
Molecular consequence: splice donor variant. On other transcripts: intron variant (3).
Genome position (GRCh38, 1-based): chr7:5,997,167-5,997,326, 160 bases deleted. GRCh37 (hg19): chr7:6,036,798-6,036,957.
Other names: c.695_695+159del (NM_001406869.1); c.705+1782_705+1941del (NM_001406873.1); c.803_803+159del (NM_001406912.1, NM_001322006.2, NM_001406870.1 and 3 more transcripts); c.494_494+159del (NM_001406878.1, NM_001406881.1, NM_001406879.1 and 6 more transcripts); c.989_989+159del (NM_001406866.1); c.398_398+159del (NM_001406893.1, NM_001406891.1, NM_001406899.1 and 19 more transcripts); c.827_827+159del (NM_001406868.1); c.485_485+159del (NM_001322008.2, NM_001406902.1, NM_001406883.1 and 4 more transcripts); and 7 more.
Identifiers: ClinVar variation 4140499 (VCV004140499.1).